The following is an entry in ClinVar:

ClinVar aggregate classification (germline): Conflicting classifications of pathogenicity. Review status: criteria provided, conflicting classifications (1 of 4 stars). 7 submissions from 7 submitters: Uncertain significance (2); Benign (1); Likely benign (3). 1 of the submissions does not count toward it. Last evaluated 2025-12-12.

Conditions:
Hereditary spastic paraplegia. Also called: Familial spastic paraparesis. Identifiers: Orphanet 685, MedGen C0037773, MONDO:0019064. Disease mechanism: loss of function.

Allele frequency attached by ClinVar (database versions not stated): gnomAD 0.00006 and 0.00014; TOPMed 0.00009; ESP Exome Variant Server 0.00015; gnomAD exomes 0.00025 and 0.00037; 1000 Genomes Project 0.00040; ExAC 0.00040; 1000 Genomes Project 30x 0.00047.
gnomAD v4.1: 397 of 1,608,822 alleles (0.025%); highest among the groups gnomAD compares: South Asian, 0.25%; 5 homozygotes.

Submissions (7):

Labcorp Genetics (formerly Invitae), Labcorp
Classification: Likely benign. Last evaluated: 2025-12-12. Review status: criteria provided, single submitter. Criteria: Invitae Variant Classification Sherloc (09022015). Collection method: clinical testing. Allele origin: germline.

Mayo Clinic Laboratories, Mayo Clinic
Classification: Likely benign. Last evaluated: 2025-08-01. Review status: criteria provided, single submitter. Criteria: ACMG Guidelines, 2015. Collection method: clinical testing. Allele origin: germline. Observed: 2 variant alleles.
Comment: BS1

Laboratory of Genetics, Children's Clinical University Hospital Latvia
Classification: Benign. Last evaluated: 2025-02-16. Review status: criteria provided, single submitter. Criteria: ACMG Guidelines, 2015. Collection method: clinical testing. Allele origin: germline. Affected: yes.

GeneDx
Classification: Likely benign. Last evaluated: 2021-01-08. Review status: criteria provided, single submitter. Criteria: GeneDx Variant Classification Process June 2021. Collection method: clinical testing. Allele origin: germline. Affected: yes.
Comment: This variant is associated with the following publications: (PMID: 31286721)

Genome Diagnostics Laboratory, The Hospital for Sick Children
Classification: Uncertain significance for Hereditary spastic paraplegia. Last evaluated: 2016-12-12. Review status: criteria provided, single submitter. Criteria: ACMG Guidelines, 2015. Collection method: clinical testing. Allele origin: germline. Affected: yes.

Center for Pediatric Genomic Medicine, Children's Mercy Hospital and Clinics
Classification: Uncertain significance. Last evaluated: 2016-10-12. Review status: criteria provided, single submitter. Criteria: ACMG Guidelines, 2015. Collection method: clinical testing. Allele origin: germline.
ClinVar note: Converted during submission from Uncertain Significance to Uncertain significance.

OMIM
Classification: Uncertain significance for VARIANT OF UNKNOWN SIGNIFICANCE. Last evaluated: 2019-08-12. Review status: no assertion criteria provided. Collection method: literature only. Allele origin: germline. Not counted in ClinVar's aggregate classification.

Literature cited by the submitters: PubMed 31286721 (cited by Mayo Clinic Laboratories, Mayo Clinic and OMIM); PubMed 40631390 (cited by Mayo Clinic Laboratories, Mayo Clinic).

NM_007215.4(POLG2):c.694G>A (p.Gly232Ser)

Genes: MILR1 (mast cell immunoglobulin like receptor 1; plus strand), POLG2 (DNA polymerase gamma 2, accessory subunit; minus strand). Cytogenetic location: 17q23.3.
Variant type: single nucleotide variant.
Coding change: c.694G>A on transcript NM_007215.4 (MANE Select); coding-DNA position 694, G replaced by A.
Protein change: p.Gly232Ser; replaces glycine 232 with serine.
Molecular consequence: missense variant.
Genome position (GRCh38, 1-based): chr17:64,492,768, C>T on the plus strand (G>A on the coding strand, the complement: POLG2 is on the minus strand). VCF-style: chr17-64492768-C-T. GRCh37 (hg19) VCF-style: chr17-62488885-C-T.
Other names: p.Gly232Ser; short protein forms G232S.
Identifiers: ClinVar variation 377256 (VCV000377256.19), dbSNP rs143660836, ClinGen allele CA8712943.
Genomic context (GRCh38, chr17:64,492,768, plus strand): 5'-GCCACTGGTTTGAAGTTCTCGGAGGAGTAAACCATACTAACGAAGCTTCAGTCTTCTCAC[C>T]AATACTTTAGATATAAAACGTATCAGGAAGTTAGCTTATCTGAAAATTATATAATTTATC-3'
Protein context (NP_009146.2, residues 222-242): KQIRNGVKSI[Gly232Ser]EKTEASLVWF